The following is an entry in ClinVar:

ClinVar aggregate classification (germline): Uncertain significance (1 of 4 stars; one submission).

Submission:

GeneDx
Classification: Uncertain significance. Last evaluated: 2026-09-17. Review status: criteria provided, single submitter. Criteria: GeneDx Variant Classification Process June 2021. Collection method: clinical testing. Allele origin: germline.
Comment: Not observed at significant frequency in large population cohorts (gnomAD); In silico analysis suggests that this missense variant does not alter protein structure/function; Has not been previously published as pathogenic or benign to our knowledge

NM_021120.4(DLG3):c.1654C>T (p.His552Tyr)

Gene: DLG3 (discs large MAGUK scaffold protein 3; plus strand). Cytogenetic location: Xq13.1.
Variant type: single nucleotide variant.
Coding change: c.1654C>T on transcript NM_021120.4 (MANE Select); coding-DNA position 1654, C replaced by T.
Protein change: p.His552Tyr; replaces histidine 552 with tyrosine.
Molecular consequence: missense variant.
Genome position (GRCh38, 1-based): chrX:70,492,240, C>T. VCF-style: chrX-70492240-C-T. GRCh37 (hg19) VCF-style: chrX-69712090-C-T.
Other names: c.205C>T, p.His69Tyr (NM_001166278.2); c.643C>T, p.His215Tyr (NM_020730.3); short protein forms H215Y, H552Y, H69Y.
Identifiers: ClinVar variation 3361739 (VCV003361739.2).